The following is an entry in ClinVar:

NM_020693.4(DSCAML1):c.5945G>A (p.Gly1982Asp)

Gene: DSCAML1 (DS cell adhesion molecule like 1; minus strand). Cytogenetic location: 11q23.3.
Variant type: single nucleotide variant.
Coding change: c.5945G>A on transcript NM_020693.4 (MANE Select); coding-DNA position 5945, G replaced by A.
Protein change: p.Gly1982Asp; replaces glycine 1982 with aspartic acid.
Molecular consequence: missense variant.
Genome position (GRCh38, 1-based): chr11:117,428,545, C>T on the plus strand (G>A on the coding strand, the complement: DSCAML1 is on the minus strand). VCF-style: chr11-117428545-C-T. GRCh37 (hg19) VCF-style: chr11-117299261-C-T.
Other names: short protein forms G1982D.
Identifiers: ClinVar variation 3614889 (VCV003614889.2).

ClinVar aggregate classification (germline): Uncertain significance (1 of 4 stars; one submission).

gnomAD v4.1: 1 of 1,529,808 alleles (0.000065%); highest among the groups gnomAD compares: Non-Finnish European, 0.000088%; no homozygotes.

Submission:

Labcorp Genetics (formerly Invitae), Labcorp
Classification: Uncertain significance. Last evaluated: 2024-03-26. Review status: criteria provided, single submitter. Criteria: Invitae Variant Classification Sherloc (09022015). Collection method: clinical testing. Allele origin: germline.
Comment: This sequence change replaces glycine, which is neutral and non-polar, with aspartic acid, which is acidic and polar, at codon 2042 of the DSCAML1 protein (p.Gly2042Asp). This variant is not present in population databases (gnomAD no frequency). This variant has not been reported in the literature in individuals affected with DSCAML1-related conditions. An algorithm developed to predict the effect of missense changes on protein structure and function (PolyPhen-2) suggests that this variant is likely to be tolerated. In summary, the available evidence is currently insufficient to determine the role of this variant in disease. Therefore, it has been classified as a Variant of Uncertain Significance.